The following is an entry in ClinVar:

NM_001041.4(SI):c.3967T>C (p.Trp1323Arg)

Gene: SI (sucrase-isomaltase; minus strand). Cytogenetic location: 3q26.1.
Variant type: single nucleotide variant.
Coding change: c.3967T>C on transcript NM_001041.4 (MANE Select); coding-DNA position 3967, T replaced by C.
Protein change: p.Trp1323Arg; replaces tryptophan 1323 with arginine.
Molecular consequence: missense variant.
Genome position (GRCh38, 1-based): chr3:165,015,155, A>G on the plus strand (T>C on the coding strand, the complement: SI is on the minus strand). VCF-style: chr3-165015155-A-G. GRCh37 (hg19) VCF-style: chr3-164732943-A-G.
Other names: short protein forms W1323R.
Identifiers: ClinVar variation 2057685 (VCV002057685.4), dbSNP rs2473265897, ClinGen allele CA355035916.
Genomic context (GRCh38, chr3:165,015,155, plus strand): 5'-ATTCTATTTCAAGATATCGATTTAGTACCTTTGCCCAACAAATGTCATTGGTGTTTGGCC[A>G]TTTGACAAAGACATCATTCTGCTGTCCTCTTTCAAATGCAGGGTAAGTCTTTGTTTCATT-3'
Protein context (NP_001032.2, residues 1313-1333): RGQQNDVFVK[Trp1323Arg]PNTNDICWAK

ClinVar aggregate classification (germline): Uncertain significance (1 of 4 stars; one submission).

Allele frequency attached by ClinVar (database versions not stated): gnomAD exomes below 0.00001.
gnomAD v4.1: 1 of 1,613,456 alleles (0.000062%); highest among the groups gnomAD compares: South Asian, 0.0011%; no homozygotes.

Submission:

Labcorp Genetics (formerly Invitae), Labcorp
Classification: Uncertain significance. Last evaluated: 2022-10-17. Review status: criteria provided, single submitter. Criteria: Invitae Variant Classification Sherloc (09022015). Collection method: clinical testing. Allele origin: germline.
Comment: In summary, the available evidence is currently insufficient to determine the role of this variant in disease. Therefore, it has been classified as a Variant of Uncertain Significance. Advanced modeling of protein sequence and biophysical properties (such as structural, functional, and spatial information, amino acid conservation, physicochemical variation, residue mobility, and thermodynamic stability) has been performed at Invitae for this missense variant, however the output from this modeling did not meet the statistical confidence thresholds required to predict the impact of this variant on SI protein function. This variant has not been reported in the literature in individuals affected with SI-related conditions. This variant is not present in population databases (gnomAD no frequency). This sequence change replaces tryptophan, which is neutral and slightly polar, with arginine, which is basic and polar, at codon 1323 of the SI protein (p.Trp1323Arg).